The following is an entry in ClinVar:

ClinVar aggregate classification (germline): Uncertain significance (1 of 4 stars; one submission).

Conditions:
Hereditary cancer-predisposing syndrome. Also called: Neoplastic Syndromes, Hereditary; Tumor predisposition; Hereditary Cancer Syndrome; Hereditary neoplastic syndrome. Identifiers: Orphanet 140162, MedGen C0027672, MeSH D009386, MONDO:0015356.

Submission:

Ambry Genetics
Classification: Uncertain significance for Hereditary cancer-predisposing syndrome. Last evaluated: 2025-07-29. Review status: criteria provided, single submitter. Criteria: Ambry Variant Classification Scheme 2023. Collection method: clinical testing. Allele origin: germline.
Comment: The p.G856R variant (also known as c.2566G>A), located in coding exon 18 of the TSC1 gene, results from a G to A substitution at nucleotide position 2566. The glycine at codon 856 is replaced by arginine, an amino acid with dissimilar properties. This amino acid position is conserved. In addition, this alteration is predicted to be deleterious by in silico analysis. Based on the available evidence, the clinical significance of this variant remains unclear.

NM_000368.5(TSC1):c.2566G>A (p.Gly856Arg)

Gene: TSC1 (TSC complex subunit 1; minus strand). Cytogenetic location: 9q34.13.
Variant type: single nucleotide variant.
Coding change: c.2566G>A on transcript NM_000368.5 (MANE Select); coding-DNA position 2566, G replaced by A.
Protein change: p.Gly856Arg; replaces glycine 856 with arginine.
Molecular consequence: missense variant. On other transcripts: non-coding transcript variant (5).
Genome position (GRCh38, 1-based): chr9:132,900,774, C>T on the plus strand (G>A on the coding strand, the complement: TSC1 is on the minus strand). VCF-style: chr9-132900774-C-T. GRCh37 (hg19) VCF-style: chr9-135776161-C-T.
Other names: c.2521G>A, p.Gly841Arg (NM_001406608.1, NM_001406609.1); c.2413G>A, p.Gly805Arg (NM_001406610.1, NM_001162427.2); c.2410G>A, p.Gly804Arg (NM_001406611.1, NM_001406612.1); c.2524G>A, p.Gly842Arg (NM_001406607.1, NM_001406605.1, NM_001406606.1); c.2368G>A, p.Gly790Arg (NM_001406613.1); c.1513G>A, p.Gly505Arg (NM_001406629.1, NM_001406630.1); c.2203G>A, p.Gly735Arg (NM_001406617.1, NM_001406618.1, NM_001406619.1 and 4 more transcripts); c.2200G>A, p.Gly734Arg (NM_001406620.1, NM_001406621.1, NM_001406622.1 and 1 more transcripts); and 8 more; short protein forms G721R, G735R, G850R, G734R, G804R, G805R, G855R, G856R.
Identifiers: ClinVar variation 4192084 (VCV004192084.1).